The following is an entry in ClinVar:

NM_002485.5(NBN):c.1846-9T>C

Genes: NBN (nibrin; minus strand), LOC126860438 (MED14-independent group 3 enhancer GRCh37_chr8:90959982-90961181; plus strand). Cytogenetic location: 8q21.3.
Variant type: single nucleotide variant.
Coding change: c.1846-9T>C on transcript NM_002485.5 (MANE Select); 9 bases into the intron before coding-DNA position 1846, T replaced by C.
Molecular consequence: intron variant.
Genome position (GRCh38, 1-based): chr8:89,947,901, A>G on the plus strand (T>C on the coding strand, the complement: NBN is on the minus strand). VCF-style: chr8-89947901-A-G. GRCh37 (hg19) VCF-style: chr8-90960129-A-G.
Other names: c.1600-9T>C (NM_001024688.3).
Identifiers: ClinVar variation 461523 (VCV000461523.16), dbSNP rs1554556966, ClinGen allele CA658657788.

ClinVar aggregate classification (germline): Likely benign. Review status: criteria provided, multiple submitters, no conflicts (2 of 4 stars). 3 submissions from 3 submitters: Likely benign (2). 1 of the submissions does not count toward it. Last evaluated 2025-11-03.

Conditions:
NBN-related disorder. Also called: NBN-related condition.
Hereditary cancer-predisposing syndrome. Also called: Hereditary neoplastic syndrome; Neoplastic Syndromes, Hereditary; Tumor predisposition; Hereditary Cancer Syndrome. Identifiers: Orphanet 140162, MedGen C0027672, MeSH D009386, MONDO:0015356.
Microcephaly, normal intelligence and immunodeficiency (NBS). Also called: IMMUNODEFICIENCY, MICROCEPHALY, AND CHROMOSOMAL INSTABILITY; SEEMANOVA SYNDROME II; Nijmegen breakage syndrome; Microcephaly with normal intelligence immunodeficiency and lymphoreticular malignancies; Nonsyndromal microcephaly autosomal recessive with normal intelligence; Seemanova syndrome 2. Identifiers: Orphanet 647, MedGen C0398791, MONDO:0009623, OMIM 251260.

Allele frequency attached by ClinVar (database versions not stated): gnomAD exomes below 0.00001.
gnomAD v4.1: 2 of 1,515,378 alleles (0.00013%); highest among the groups gnomAD compares: Non-Finnish European, 0.00018%; no homozygotes.

Submissions (3):

Labcorp Genetics (formerly Invitae), Labcorp
Classification: Likely benign for Microcephaly, normal intelligence and immunodeficiency. Last evaluated: 2025-11-03. Review status: criteria provided, single submitter. Criteria: Invitae Variant Classification Sherloc (09022015). Collection method: clinical testing. Allele origin: germline.

Color Diagnostics, LLC DBA Color Health
Classification: Likely benign for Hereditary cancer-predisposing syndrome. Last evaluated: 2019-07-10. Review status: criteria provided, single submitter. Criteria: ACMG Guidelines, 2015. Collection method: clinical testing. Allele origin: germline.

PreventionGenetics, part of Exact Sciences
Classification: Likely benign for NBN-related condition. Last evaluated: 2021-05-05. Review status: no assertion criteria provided. Collection method: clinical testing. Allele origin: germline. Not counted in ClinVar's aggregate classification.
Comment: This variant is classified as likely benign based on ACMG/AMP sequence variant interpretation guidelines (Richards et al. 2015 PMID: 25741868, with internal and published modifications).